The following is an entry in ClinVar:

NM_000531.6(OTC):c.421C>T (p.Arg141Ter)

Gene: OTC (ornithine transcarbamylase; plus strand). Cytogenetic location: Xp11.4.
Variant type: single nucleotide variant.
Coding change: c.421C>T on transcript NM_000531.6 (MANE Select); coding-DNA position 421, C replaced by T.
Protein change: p.Arg141Ter; replaces arginine 141 with a stop codon.
Molecular consequence: nonsense.
Genome position (GRCh38, 1-based): chrX:38,401,309, C>T. VCF-style: chrX-38401309-C-T. GRCh37 (hg19) VCF-style: chrX-38260562-C-T.
Other names: R109*; short protein forms R141*.
Identifiers: ClinVar variation 10988 (VCV000010988.8), dbSNP rs67960011, ClinGen allele CA224598.

ClinVar aggregate classification (germline): Pathogenic. Review status: criteria provided, single submitter (1 of 4 stars). 3 submissions from 3 submitters: Pathogenic (1). 2 of the submissions do not count toward it. Last evaluated 2021-11-01.

Conditions:
Ornithine carbamoyltransferase deficiency (OTCD). Also called: ORNITHINE TRANSCARBAMYLASE DEFICIENCY, HYPERAMMONEMIA DUE TO; OTC DEFICIENCY; ORNITHINE TRANSCARBAMYLASE DEFICIENCY; Ornithine Carbamoyltransferase Deficiency Disease. Identifiers: Orphanet 664, MedGen C0268542, MONDO:0010703, OMIM 311250.

Submissions (3):

Labcorp Genetics (formerly Invitae), Labcorp
Classification: Pathogenic for Ornithine carbamoyltransferase deficiency. Last evaluated: 2021-11-01. Review status: criteria provided, single submitter. Criteria: Invitae Variant Classification Sherloc (09022015). Collection method: clinical testing. Allele origin: germline.
Comment: This premature translational stop signal has been observed in individuals with ornithine transcarbamylase (OTC) deficiency (PMID: 2741942, 3170748, 16786505, 18204299, 19138872, 25433810, 27070778). ClinVar contains an entry for this variant (Variation ID: 10988). For these reasons, this variant has been classified as Pathogenic. This variant is not present in population databases (gnomAD no frequency). This sequence change creates a premature translational stop signal (p.Arg141*) in the OTC gene. It is expected to result in an absent or disrupted protein product. Loss-of-function variants in OTC are known to be pathogenic (PMID: 10946359, 16786505).

OMIM
Classification: Pathogenic for ORNITHINE TRANSCARBAMYLASE DEFICIENCY. Last evaluated: 1989-07-01. Review status: no assertion criteria provided. Collection method: literature only. Allele origin: germline. Not counted in ClinVar's aggregate classification.

GenMed Metabolism Lab
Classification: Pathogenic. Review status: no assertion criteria provided. Collection method: not provided. Allele origin: unknown. Not counted in ClinVar's aggregate classification.
Comment: p.Arg141X, Neonatal, CpG dinucleotide
ClinVar note: Converted during submission from pathogenic to Pathogenic.

Literature cited by the submitters: PubMed 2741942 (cited by Labcorp Genetics (formerly Invitae), Labcorp and OMIM); PubMed 3170748 (cited by Labcorp Genetics (formerly Invitae), Labcorp and OMIM); PubMed 16786505 (cited by Labcorp Genetics (formerly Invitae), Labcorp); PubMed 18204299 (cited by Labcorp Genetics (formerly Invitae), Labcorp); PubMed 19138872 (cited by Labcorp Genetics (formerly Invitae), Labcorp); PubMed 25433810 (cited by Labcorp Genetics (formerly Invitae), Labcorp); PubMed 27070778 (cited by Labcorp Genetics (formerly Invitae), Labcorp); PubMed 10946359 (cited by Labcorp Genetics (formerly Invitae), Labcorp).